The following is an entry in ClinVar:

NM_001370298.3(FGD4):c.1135C>T (p.Arg379Ter)

Gene: FGD4 (FYVE, RhoGEF and PH domain containing 4; plus strand). Cytogenetic location: 12p11.21.
Variant type: single nucleotide variant.
Coding change: c.1135C>T on transcript NM_001370298.3 (MANE Select); coding-DNA position 1135, C replaced by T.
Protein change: p.Arg379Ter; replaces arginine 379 with a stop codon.
Molecular consequence: nonsense. On other transcripts: 5 prime UTR variant (2).
Genome position (GRCh38, 1-based): chr12:32,601,311, C>T. VCF-style: chr12-32601311-C-T. GRCh37 (hg19) VCF-style: chr12-32754245-C-T.
Other names: c.979C>T, p.Arg327Ter (NM_001304481.2); c.-21C>T (NM_001304483.2); c.-328C>T (NM_001304484.2); c.445C>T, p.Arg149Ter (NM_001330373.2, NM_001330374.2, NM_001384130.1); c.172C>T, p.Arg58Ter (NM_001370297.1); c.1135C>T, p.Arg379Ter (NM_001384126.1); c.724C>T, p.Arg242Ter (NM_001384127.1, NM_001384128.1, NM_001385118.1 and 1 more transcripts); short protein forms R149*, R242*, R379*, R327*, R58*.
Identifiers: ClinVar variation 1458134 (VCV001458134.8), dbSNP rs1948408994, ClinGen allele CA384358067.
Genomic context (GRCh38, chr12:32,601,311, plus strand): 5'-TAATGCTTACATTATTCTTTTATTCAGGTATTTTATTGCAAACTGTTGGAAGAAGCAAAC[C>T]GAGGCTCGTTTCCAGCAGAGATGGTGAATAAAATCTTTTCTAATATTTCATCAATAAATG-3'

ClinVar aggregate classification (germline): Pathogenic (1 of 4 stars; one submission).

Conditions:
Charcot-Marie-Tooth disease type 4. Also called: Charcot-Marie-Tooth disease, type IV; Charcot-Marie-Tooth, Type 4. Identifiers: Orphanet 64749, MedGen C4082197, MONDO:0018995.

gnomAD v4.1: 6 of 1,613,988 alleles (0.00037%); highest among the groups gnomAD compares: Non-Finnish European, 0.00051%; no homozygotes.

Submission:

Labcorp Genetics (formerly Invitae), Labcorp
Classification: Pathogenic for Charcot-Marie-Tooth disease type 4. Last evaluated: 2021-05-13. Review status: criteria provided, single submitter. Criteria: Invitae Variant Classification Sherloc (09022015). Collection method: clinical testing. Allele origin: germline.
Comment: This sequence change creates a premature translational stop signal (p.Arg242*) in the FGD4 gene. It is expected to result in an absent or disrupted protein product. Loss-of-function variants in FGD4 are known to be pathogenic (PMID: 17564972). This variant is not present in population databases (ExAC no frequency). This variant has been observed in individual(s) with Charcot-Marie-Tooth disease (PMID: 28847448). For these reasons, this variant has been classified as Pathogenic.

Literature cited by the submitters: PubMed 17564972; PubMed 28847448.